The following is an entry in ClinVar:

ClinVar aggregate classification (germline): Uncertain significance (1 of 4 stars; one submission).

Conditions:
Hereditary cancer-predisposing syndrome. Also called: Tumor predisposition; Hereditary neoplastic syndrome; Hereditary Cancer Syndrome; Neoplastic Syndromes, Hereditary. Identifiers: Orphanet 140162, MedGen C0027672, MeSH D009386, MONDO:0015356.

Submission:

Color Diagnostics, LLC DBA Color Health
Classification: Uncertain significance for Hereditary cancer-predisposing syndrome. Last evaluated: 2021-02-17. Review status: criteria provided, single submitter. Criteria: ACMG Guidelines, 2015. Collection method: clinical testing. Allele origin: germline.
Comment: This variant causes an in-frame deletion of one amino acid at codon 1777 of the ATM protein. To our knowledge, functional studies have not been reported for this variant. This variant has not been reported in individuals affected with hereditary cancer in the literature. This variant has not been identified in the general population by the Genome Aggregation Database (gnomAD). The available evidence is insufficient to determine the role of this variant in disease conclusively. Therefore, this variant is classified as a Variant of Uncertain Significance.

NM_000051.4(ATM):c.5329_5331del (p.Val1777del)

Gene: ATM (ATM serine/threonine kinase; plus strand). Cytogenetic location: 11q22.3.
Variant type: Deletion.
Coding change: c.5329_5331del on transcript NM_000051.4 (MANE Select); coding-DNA positions 5329 to 5331, 3 bases deleted (GTA; older notation c.5329_5331delGTA).
Protein change: p.Val1777del; deletes valine 1777.
Molecular consequence: inframe deletion.
Genome position (GRCh38, 1-based): chr11:108,302,862-108,302,864, GTA deleted; deleting any 3 consecutive bases within chr11:108,302,861-108,302,864 gives the same sequence; the c. name uses the placement nearest the transcript's 3' end. VCF-style (leftmost placement, unchanged base first): chr11-108302860-AAGT-A. GRCh37 (hg19) VCF-style: chr11-108173587-AAGT-A.
Other names: c.5329_5331del, p.Val1777del (NM_001351834.2); short protein forms V1777del.
Identifiers: ClinVar variation 1171882 (VCV001171882.2), dbSNP rs2135927016, ClinGen allele CA2499220655.